The following is an entry in ClinVar:

ClinVar aggregate classification (germline): Pathogenic (0 of 4 stars; one submission).

Conditions:
Alkaptonuria (AKU). Also called: Alkaptonuric ochronosis; Homogentisic acidura; Alcaptonuria; HOMOGENTISIC ACID OXIDASE DEFICIENCY. Identifiers: Orphanet 56, MedGen C0002066, MONDO:0008753, OMIM 203500.

Allele frequency attached by ClinVar (database versions not stated): gnomAD exomes below 0.00001.
gnomAD v4.1: 2 of 1,614,038 alleles (0.00012%); highest among the groups gnomAD compares: African/African-American, 0.0013%; no homozygotes.

Submission:

Department Of Human Genetics, Institute Of Clinical And Translational Research, Biomedical Research Center, Slovak Academy Of Sciences
Classification: Pathogenic for Alkaptonuria. Review status: no assertion criteria provided. Collection method: research. Allele origin: germline. Inheritance: Autosomal recessive inheritance. Affected: yes. Observed: 2 variant alleles.
Comment: The variant was originally described in AKU patient in PMID:12501223. It has been submitted to the HGD gene mutation database (DB-ID: AKU_00096).

Literature cited by the submitters: PubMed 12501223.

NM_000187.4(HGD):c.1085G>A (p.Gly362Glu)

Gene: HGD (homogentisate 1,2-dioxygenase; minus strand). Cytogenetic location: 3q13.33.
Variant type: single nucleotide variant.
Coding change: c.1085G>A on transcript NM_000187.4 (MANE Select); coding-DNA position 1085, G replaced by A.
Protein change: p.Gly362Glu; replaces glycine 362 with glutamic acid.
Molecular consequence: missense variant.
Genome position (GRCh38, 1-based): chr3:120,633,250, C>T on the plus strand (G>A on the coding strand, the complement: HGD is on the minus strand). VCF-style: chr3-120633250-C-T. GRCh37 (hg19) VCF-style: chr3-120352097-C-T.
Other names: short protein forms G362E.
Identifiers: ClinVar variation 2627700 (VCV002627700.1), dbSNP rs2472652160, ClinGen allele CA354072873.